The following is an entry in ClinVar:

ClinVar aggregate classification (germline): Uncertain significance (1 of 4 stars; one submission).

Submission:

Labcorp Genetics (formerly Invitae), Labcorp
Classification: Uncertain significance. Last evaluated: 2024-06-24. Review status: criteria provided, single submitter. Criteria: Invitae Variant Classification Sherloc (09022015). Collection method: clinical testing. Allele origin: germline.
Comment: This sequence change replaces proline, which is neutral and non-polar, with arginine, which is basic and polar, at codon 66 of the MNX1 protein (p.Pro66Arg). The frequency data for this variant in the population databases is considered unreliable, as metrics indicate insufficient coverage at this position in the gnomAD database. This variant has not been reported in the literature in individuals affected with MNX1-related conditions. ClinVar contains an entry for this variant (Variation ID: 2095664). Advanced modeling of protein sequence and biophysical properties (such as structural, functional, and spatial information, amino acid conservation, physicochemical variation, residue mobility, and thermodynamic stability) performed at Invitae indicates that this missense variant is not expected to disrupt MNX1 protein function with a negative predictive value of 80%. In summary, the available evidence is currently insufficient to determine the role of this variant in disease. Therefore, it has been classified as a Variant of Uncertain Significance.

NM_005515.4(MNX1):c.197C>G (p.Pro66Arg)

Gene: MNX1 (motor neuron and pancreas homeobox 1; minus strand). Cytogenetic location: 7q36.3.
Variant type: single nucleotide variant.
Coding change: c.197C>G on transcript NM_005515.4 (MANE Select); coding-DNA position 197, C replaced by G.
Protein change: p.Pro66Arg; replaces proline 66 with arginine.
Molecular consequence: missense variant.
Genome position (GRCh38, 1-based): chr7:157,010,154, G>C on the plus strand (C>G on the coding strand, the complement: MNX1 is on the minus strand). VCF-style: chr7-157010154-G-C. GRCh37 (hg19) VCF-style: chr7-156802848-G-C.
Other names: short protein forms P66R.
Identifiers: ClinVar variation 2095664 (VCV002095664.4), dbSNP rs1460492308, ClinGen allele CA370165049.